The following is an entry in ClinVar:

NM_001080477.4(TENM3):c.1959C>T (p.Ser653=)

Gene: TENM3 (teneurin transmembrane protein 3; plus strand). Cytogenetic location: 4q35.1.
Variant type: single nucleotide variant.
Coding change: c.1959C>T on transcript NM_001080477.4 (MANE Select); coding-DNA position 1959, C replaced by T.
Protein change: p.Ser653=; no amino-acid change (serine 653 retained).
Molecular consequence: synonymous variant.
Genome position (GRCh38, 1-based): chr4:182,681,938, C>T. VCF-style: chr4-182681938-C-T. GRCh37 (hg19) VCF-style: chr4-183603091-C-T.
Other names: c.1143C>T, p.Ser381= (NM_001415960.1, NM_001415961.1, NM_001415962.1 and 2 more transcripts); c.1680C>T, p.Ser560= (NM_001415966.1, NM_001415967.1, NM_001415976.1 and 1 more transcripts); c.1959C>T, p.Ser653= (NM_001415968.1, NM_001415969.1, NM_001415970.1 and 4 more transcripts).
Identifiers: ClinVar variation 4989741 (VCV004989741.1).

ClinVar aggregate classification (germline): Benign (1 of 4 stars; one submission).

Conditions:
TENM3-related disorder. Also called: TENM3-related condition.

gnomAD v4.1: 1,688 of 1,613,946 alleles (0.1%); highest among the groups gnomAD compares: South Asian, 1.7%; 37 homozygotes.

Submission:

PreventionGenetics, part of Exact Sciences
Classification: Benign for TENM3-related condition. Last evaluated: 2026-03-31. Review status: criteria provided, single submitter. Criteria: ACMG Guidelines, 2015. Collection method: clinical testing. Allele origin: germline.
Comment: This variant is classified as benign based on ACMG/AMP sequence variant interpretation guidelines (Richards et al. 2015 PMID: 25741868, with internal and published modifications).